The following is an entry in ClinVar:

ClinVar aggregate classification (germline): Uncertain significance (1 of 4 stars; one submission).

Conditions:
CDH23-related disorder. Also called: CDH23-related disorders; CDH23-related condition.

gnomAD v4.1: 8 of 1,613,696 alleles (0.0005%); highest among the groups gnomAD compares: South Asian, 0.0011%; no homozygotes.

Submission:

PreventionGenetics, part of Exact Sciences
Classification: Uncertain significance for CDH23-related condition. Last evaluated: 2024-10-21. Review status: criteria provided, single submitter. Criteria: ACMG Guidelines, 2015. Collection method: clinical testing. Allele origin: germline.
Comment: The CDH23 c.4505G>A variant is predicted to result in the amino acid substitution p.Arg1502Gln. To our knowledge, this variant has not been reported in the literature. This variant is reported in 0.0033% of alleles in individuals of South Asian descent in gnomAD. At this time, the clinical significance of this variant is uncertain due to the absence of conclusive functional and genetic evidence.

NM_022124.6(CDH23):c.4505G>A (p.Arg1502Gln)

Gene: CDH23 (cadherin related 23; plus strand). Cytogenetic location: 10q22.1.
Variant type: single nucleotide variant.
Coding change: c.4505G>A on transcript NM_022124.6 (MANE Select); coding-DNA position 4505, G replaced by A.
Protein change: p.Arg1502Gln; replaces arginine 1502 with glutamine.
Molecular consequence: missense variant.
Genome position (GRCh38, 1-based): chr10:71,740,838, G>A. VCF-style: chr10-71740838-G-A. GRCh37 (hg19) VCF-style: chr10-73500595-G-A.
Other names: short protein forms R1502Q.
Identifiers: ClinVar variation 5002277 (VCV005002277.1).